The following is an entry in ClinVar:

NM_022829.6(SLC13A3):c.86C>T (p.Pro29Leu)

Gene: SLC13A3 (solute carrier family 13 member 3; minus strand). Cytogenetic location: 20q13.12.
Variant type: single nucleotide variant.
Coding change: c.86C>T on transcript NM_022829.6 (MANE Select); coding-DNA position 86, C replaced by T.
Protein change: p.Pro29Leu; replaces proline 29 with leucine.
Molecular consequence: missense variant. On other transcripts: 5 prime UTR variant (1), intron variant (2).
Genome position (GRCh38, 1-based): chr20:46,651,336, G>A on the plus strand (C>T on the coding strand, the complement: SLC13A3 is on the minus strand). VCF-style: chr20-46651336-G-A. GRCh37 (hg19) VCF-style: chr20-45279975-G-A.
Other names: c.86C>T, p.Pro29Leu (NM_001193339.2); c.-36C>T (NM_001193342.2); c.-31+18707C>T (NM_001193340.2, NM_001011554.3); c.86C>T (NM_022829.5); short protein forms P29L.
Identifiers: ClinVar variation 1469121 (VCV001469121.9), dbSNP rs1381905345, ClinGen allele CA409263962.
Genomic context (GRCh38, chr20:46,651,336, plus strand): 5'-GTTGACCGGGGGCGCACAGGCGGAGGAGGCGTTACCTTGGGCGGGAGGGCGAAGACCACC[G>A]GCAGCAGCGCGAGCGGCGTGAACAGCAGCACCAGCAGCCGCCGCGCGCTCCACACCTTCT-3'
Protein context (NP_073740.2, residues 19-39): VLLFTPLALL[Pro29Leu]VVFALPPKEG

ClinVar aggregate classification (germline): Uncertain significance. Review status: criteria provided, multiple submitters, no conflicts (2 of 4 stars). 3 submissions from 3 submitters: Uncertain significance (3). Last evaluated 2022-11-15.

Conditions:
Leukoencephalopathy, acute reversible, with increased urinary alpha-ketoglutarate. Identifiers: Orphanet 615964, MedGen C5193068, MONDO:0032716, OMIM 618384.

Allele frequency attached by ClinVar (database versions not stated): TOPMed 0.00001; gnomAD 0.00002; gnomAD exomes 0.00003.
gnomAD v4.1: 15 of 1,514,854 alleles (0.00099%); highest among the groups gnomAD compares: Admixed American, 0.01%; no homozygotes.

Submissions (3):

Labcorp Genetics (formerly Invitae), Labcorp
Classification: Uncertain significance. Last evaluated: 2022-11-15. Review status: criteria provided, single submitter. Criteria: Invitae Variant Classification Sherloc (09022015). Collection method: clinical testing. Allele origin: germline.
Comment: ClinVar contains an entry for this variant (Variation ID: 1469121). This variant has not been reported in the literature in individuals affected with SLC13A3-related conditions. The frequency data for this variant in the population databases is considered unreliable, as metrics indicate poor data quality at this position in the gnomAD database. This sequence change replaces proline, which is neutral and non-polar, with leucine, which is neutral and non-polar, at codon 29 of the SLC13A3 protein (p.Pro29Leu). In summary, the available evidence is currently insufficient to determine the role of this variant in disease. Therefore, it has been classified as a Variant of Uncertain Significance. Advanced modeling of protein sequence and biophysical properties (such as structural, functional, and spatial information, amino acid conservation, physicochemical variation, residue mobility, and thermodynamic stability) performed at Invitae indicates that this missense variant is not expected to disrupt SLC13A3 protein function.

Ambry Genetics
Classification: Uncertain significance. Last evaluated: 2022-07-07. Review status: criteria provided, single submitter. Criteria: Ambry Variant Classification Scheme 2023. Collection method: clinical testing. Allele origin: germline.

Neuberg Centre For Genomic Medicine, NCGM
Classification: Uncertain significance for Leukoencephalopathy, acute reversible, with increased urinary alpha-ketoglutarate. Review status: criteria provided, single submitter. Criteria: ACMG Guidelines, 2015. Collection method: clinical testing. Allele origin: germline. Inheritance: Autosomal recessive inheritance. Affected: yes.
Comment: The missense variant c.86C>T (p.Pro29Leu) in SLC13A3 gene has been submitted to ClinVar as a Variant of Uncertain Significance, but no details are available for independent assessment. It has not been reported in affected individuals. This variant is reported with the allele frequency (0.002%) in the gnomAD and novel in 1000 genome database. The amino acid Pro at position 29 is changed to a Leu changing protein sequence and it might alter its composition and physico-chemical properties. For these reasons, this variant has been classified as Variant of Uncertain Significance (VUS).